The following is an entry in ClinVar:

ClinVar aggregate classification (germline): Uncertain significance (1 of 4 stars; one submission).

Conditions:
Dyskeratosis congenita, autosomal dominant 6 (DKCA6). Identifiers: Orphanet 3322, MedGen C4225284, MONDO:0014690, OMIM 616553.

Submission:

Labcorp Genetics (formerly Invitae), Labcorp
Classification: Uncertain significance for Dyskeratosis congenita, autosomal dominant 6. Last evaluated: 2025-05-26. Review status: criteria provided, single submitter. Criteria: Invitae Variant Classification Sherloc (09022015). Collection method: clinical testing. Allele origin: germline.
Comment: This sequence change affects an acceptor splice site in intron 2 of the ACD gene. It is expected to disrupt RNA splicing. Variants that disrupt the donor or acceptor splice site typically lead to a loss of protein function (PMID: 16199547), however the current clinical and genetic evidence is not sufficient to establish whether loss-of-function variants in ACD cause disease. This variant is not present in population databases (gnomAD no frequency). This variant has not been reported in the literature in individuals affected with ACD-related conditions. Algorithms developed to predict the effect of sequence changes on RNA splicing suggest that this variant may disrupt the consensus splice site. In summary, the available evidence is currently insufficient to determine the role of this variant in disease. Therefore, it has been classified as a Variant of Uncertain Significance.

Literature cited by the submitters: PubMed 16199547.

NM_001082486.2(ACD):c.243-1G>A

Gene: ACD (ACD shelterin complex subunit and telomerase recruitment factor; minus strand). Cytogenetic location: 16q22.1.
Variant type: single nucleotide variant.
Coding change: c.243-1G>A on transcript NM_001082486.2 (MANE Select); the canonical splice acceptor site of the intron before coding-DNA position 243, G replaced by A.
Molecular consequence: splice acceptor variant.
Genome position (GRCh38, 1-based): chr16:67,659,796, C>T on the plus strand (G>A on the coding strand, the complement: ACD is on the minus strand). VCF-style: chr16-67659796-C-T. GRCh37 (hg19) VCF-style: chr16-67693699-C-T.
Other names: c.234-1G>A (NM_022914.3); c.243-1G>A (NM_001410884.1).
Identifiers: ClinVar variation 4720293 (VCV004720293.1).